The following is an entry in ClinVar:

NM_003660.4(PPFIA3):c.1846G>A (p.Glu616Lys)

Gene: PPFIA3 (PPFI scaffold protein A3; plus strand). Cytogenetic location: 19q13.33.
Variant type: single nucleotide variant.
Coding change: c.1846G>A on transcript NM_003660.4 (MANE Select); coding-DNA position 1846, G replaced by A.
Protein change: p.Glu616Lys; replaces glutamic acid 616 with lysine.
Molecular consequence: missense variant. On other transcripts: non-coding transcript variant (1).
Genome position (GRCh38, 1-based): chr19:49,136,904, G>A. VCF-style: chr19-49136904-G-A. GRCh37 (hg19) VCF-style: chr19-49640161-G-A.
Other names: short protein forms E616K.
Identifiers: ClinVar variation 5008322 (VCV005008322.1).

ClinVar aggregate classification (germline): Uncertain significance (1 of 4 stars; one submission).

Submission:

GeneDx
Classification: Uncertain significance. Last evaluated: 2026-03-01. Review status: criteria provided, single submitter. Criteria: GeneDx Variant Classification Process June 2021. Collection method: clinical testing. Allele origin: germline.
Comment: Not observed at significant frequency in large population cohorts (gnomAD); In silico analysis supports that this missense variant has a deleterious effect on protein structure/function; Has not been previously published as pathogenic or benign to our knowledge